The following is an entry in ClinVar:

NM_199420.4(POLQ):c.7607T>C (p.Leu2536Pro)

Gene: POLQ (DNA polymerase theta; minus strand). Cytogenetic location: 3q13.33.
Variant type: single nucleotide variant.
Coding change: c.7607T>C on transcript NM_199420.4 (MANE Select); coding-DNA position 7607, T replaced by C.
Protein change: p.Leu2536Pro; replaces leucine 2536 with proline.
Molecular consequence: missense variant.
Genome position (GRCh38, 1-based): chr3:121,432,970, A>G on the plus strand (T>C on the coding strand, the complement: POLQ is on the minus strand). VCF-style: chr3-121432970-A-G. GRCh37 (hg19) VCF-style: chr3-121151817-A-G.
Other names: short protein forms L2536P.
Identifiers: ClinVar variation 3308606 (VCV003308606.1).

ClinVar aggregate classification (germline): Uncertain significance (1 of 4 stars; one submission).

Submission:

Ambry Genetics
Classification: Uncertain significance. Last evaluated: 2024-03-27. Review status: criteria provided, single submitter. Criteria: Ambry Variant Classification Scheme 2023. Collection method: clinical testing. Allele origin: germline.
Comment: The p.L2536P variant (also known as c.7607T>C), located in coding exon 29 of the POLQ gene, results from a T to C substitution at nucleotide position 7607. The leucine at codon 2536 is replaced by proline, an amino acid with similar properties. This amino acid position is conserved. In addition, this alteration is predicted to be deleterious by in silico analysis. Based on the available evidence, the clinical significance of this alteration remains unclear.